The following is an entry in ClinVar:

ClinVar aggregate classification (germline): Pathogenic/Likely pathogenic. Review status: criteria provided, multiple submitters, no conflicts (2 of 4 stars). 2 submissions from 2 submitters: Pathogenic (1); Likely pathogenic (1). Last evaluated 2022-11-18.

Conditions:
ADAM9-related disorder. Also called: ADAM9-related condition.

Submissions (2):

Blueprint Genetics
Classification: Likely pathogenic for ADAM9-related disorders. Last evaluated: 2022-11-18. Review status: criteria provided, single submitter. Criteria: ACMG Guidelines, 2015. Collection method: clinical testing. Allele origin: germline. Affected: yes. Observed: 1 variant allele.

Labcorp Genetics (formerly Invitae), Labcorp
Classification: Pathogenic. Last evaluated: 2022-06-13. Review status: criteria provided, single submitter. Criteria: Invitae Variant Classification Sherloc (09022015). Collection method: clinical testing. Allele origin: germline.
Comment: For these reasons, this variant has been classified as Pathogenic. This variant has not been reported in the literature in individuals affected with ADAM9-related conditions. This variant is not present in population databases (gnomAD no frequency). This sequence change creates a premature translational stop signal (p.Glu183Tyrfs*9) in the ADAM9 gene. It is expected to result in an absent or disrupted protein product. Loss-of-function variants in ADAM9 are known to be pathogenic (PMID: 19409519).

Literature cited by the submitters: PubMed 19409519 (cited by Labcorp Genetics (formerly Invitae), Labcorp).

NM_003816.3(ADAM9):c.543_546dup (p.Glu183fs)

Gene: ADAM9 (ADAM metallopeptidase domain 9; plus strand). Cytogenetic location: 8p11.22.
Variant type: Microsatellite.
Coding change: c.543_546dup on transcript NM_003816.3 (MANE Select); coding-DNA positions 543 to 546, 4 bases duplicated (TATA; older notation c.543_546dupTATA).
Protein change: p.Glu183fs; shifts the reading frame from glutamic acid 183.
Molecular consequence: frameshift variant. On other transcripts: non-coding transcript variant (3).
Genome position (GRCh38, 1-based): chr8:39,017,351-39,017,354, TATA duplicated; duplicating any 4 consecutive bases within chr8:39,017,350-39,017,354 gives the same sequence; the c. name uses the placement nearest the transcript's 3' end. VCF-style (leftmost placement, unchanged base first): chr8-39017349-G-GATAT. GRCh37 (hg19) VCF-style: chr8-38874868-G-GATAT.
Other names: short protein forms E183fs.
Identifiers: ClinVar variation 1410127 (VCV001410127.7), dbSNP rs2129433185, ClinGen allele CA2580614336.